The following is an entry in ClinVar:

ClinVar aggregate classification (germline): Uncertain significance. Review status: criteria provided, multiple submitters, no conflicts (2 of 4 stars). 2 submissions from 2 submitters: Uncertain significance (2). Last evaluated 2025-07-31.

Conditions:
Progressive sclerosing poliodystrophy (MTDPS4A). Also called: Mitochondrial DNA depletion syndrome 4A (Alpers type); ALPERS PROGRESSIVE INFANTILE POLIODYSTROPHY; NEURONAL DEGENERATION OF CHILDHOOD WITH LIVER DISEASE, PROGRESSIVE; Mitochondrial DNA Depletion Syndrome 4A; Alpers-Huttenlocher Syndrome (AHS); Alpers Syndrome. Identifiers: Orphanet 726, MedGen C0205710, MONDO:0008758, OMIM 203700.

Allele frequency attached by ClinVar (database versions not stated): TOPMed below 0.00001; ExAC 0.00001; gnomAD exomes 0.00001.
gnomAD v4.1: 19 of 1,613,958 alleles (0.0012%); highest among the groups gnomAD compares: Non-Finnish European, 0.0015%; no homozygotes.

Submissions (2):

GeneDx
Classification: Uncertain significance. Last evaluated: 2025-07-31. Review status: criteria provided, single submitter. Criteria: GeneDx Variant Classification Process June 2021. Collection method: clinical testing. Allele origin: germline. Affected: yes.
Comment: Has not been previously published as pathogenic or benign to our knowledge; Not observed at significant frequency in large population cohorts (gnomAD); In silico analysis suggests that this missense variant does not alter protein structure/function

Labcorp Genetics (formerly Invitae), Labcorp
Classification: Uncertain significance for Progressive sclerosing poliodystrophy. Last evaluated: 2024-11-19. Review status: criteria provided, single submitter. Criteria: Invitae Variant Classification Sherloc (09022015). Collection method: clinical testing. Allele origin: germline.
Comment: This sequence change replaces isoleucine, which is neutral and non-polar, with valine, which is neutral and non-polar, at codon 954 of the POLG protein (p.Ile954Val). This variant is present in population databases (rs778008501, gnomAD 0.003%). This variant has not been reported in the literature in individuals affected with POLG-related conditions. ClinVar contains an entry for this variant (Variation ID: 1477348). Invitae Evidence Modeling of protein sequence and biophysical properties (such as structural, functional, and spatial information, amino acid conservation, physicochemical variation, residue mobility, and thermodynamic stability) indicates that this missense variant is expected to disrupt POLG protein function with a positive predictive value of 95%. In summary, the available evidence is currently insufficient to determine the role of this variant in disease. Therefore, it has been classified as a Variant of Uncertain Significance.

NM_002693.3(POLG):c.2860A>G (p.Ile954Val)

Gene: POLG (DNA polymerase gamma, catalytic subunit; minus strand). Cytogenetic location: 15q26.1.
Variant type: single nucleotide variant.
Coding change: c.2860A>G on transcript NM_002693.3 (MANE Select); coding-DNA position 2860, A replaced by G.
Protein change: p.Ile954Val; replaces isoleucine 954 with valine.
Molecular consequence: missense variant.
Genome position (GRCh38, 1-based): chr15:89,320,887, T>C on the plus strand (A>G on the coding strand, the complement: POLG is on the minus strand). VCF-style: chr15-89320887-T-C. GRCh37 (hg19) VCF-style: chr15-89864118-T-C.
Other names: c.2860A>G (NM_002693.2); c.2860A>G, p.Ile954Val (NM_001126131.2); short protein forms I954V.
Identifiers: ClinVar variation 1477348 (VCV001477348.7), dbSNP rs778008501, ClinGen allele CA7724338.